The following is an entry in ClinVar:

NM_000092.5(COL4A4):c.3220A>T (p.Lys1074Ter)

Gene: COL4A4 (collagen type IV alpha 4 chain; minus strand). Cytogenetic location: 2q36.3.
Variant type: single nucleotide variant.
Coding change: c.3220A>T on transcript NM_000092.5 (MANE Select); coding-DNA position 3220, A replaced by T.
Protein change: p.Lys1074Ter; replaces lysine 1074 with a stop codon.
Molecular consequence: nonsense.
Genome position (GRCh38, 1-based): chr2:227,047,544, T>A on the plus strand (A>T on the coding strand, the complement: COL4A4 is on the minus strand). VCF-style: chr2-227047544-T-A. GRCh37 (hg19) VCF-style: chr2-227912260-T-A.
Other names: short protein forms K1074*.
Identifiers: ClinVar variation 984047 (VCV000984047.3), dbSNP rs1973140216, ClinGen allele CA350838763.

ClinVar aggregate classification (germline): Likely pathogenic (1 of 4 stars; one submission).

Conditions:
Autosomal recessive Alport syndrome (ATS2). Also called: ALPORT SYNDROME 2, AUTOSOMAL RECESSIVE; Alport syndrome type 2; COL4A4 Alport Syndrome and Thin Basement Membrane Nephropathy; COL4A3-Related Nephropathy. Identifiers: Orphanet 63, Orphanet 88919, MedGen C4746745, MONDO:0008762, OMIM 203780.

Submission:

Myriad Genetics, Inc.
Classification: Likely pathogenic for Autosomal recessive Alport syndrome. Last evaluated: 2019-04-22. Review status: criteria provided, single submitter. Criteria: Myriad Women's Health Autosomal Recessive and X-Linked Classification Criteria (2019). Collection method: clinical testing. Allele origin: unknown.
Comment: NM_000092.4(COL4A4):c.3220A>T(K1074*) is expected to be pathogenic in the context of COL4A4-related Alport syndrome. This variant is predicted to lead to an abnormal or absent protein product due to the creation of a premature termination codon in COL4A4, a gene where loss-of-function variants are known to be pathogenic. Please note: this variant was assessed in the context of healthy population screening.